The following is an entry in ClinVar:

ClinVar aggregate classification (germline): Pathogenic/Likely pathogenic. Review status: criteria provided, multiple submitters, no conflicts (2 of 4 stars). 3 submissions from 3 submitters: Pathogenic (1); Likely pathogenic (2). Last evaluated 2025-04-17.

Conditions:
Retinitis pigmentosa 39 (RP39). Identifiers: Orphanet 791, MedGen C3151138, MONDO:0013436, OMIM 613809.
Usher syndrome type 2A. Also called: RETINAL DISEASE IN USHER SYNDROME TYPE IIA, MODIFIER OF; USHER SYNDROME, TYPE IIA. Identifiers: Orphanet 231178, Orphanet 886, MedGen C1848634, MONDO:0010169, OMIM 276901.

Allele frequency attached by ClinVar (database versions not stated): TOPMed below 0.00001.

Submissions (3):

Labcorp Genetics (formerly Invitae), Labcorp
Classification: Pathogenic. Last evaluated: 2025-04-17. Review status: criteria provided, single submitter. Criteria: Invitae Variant Classification Sherloc (09022015). Collection method: clinical testing. Allele origin: germline.
Comment: This sequence change creates a premature translational stop signal (p.Gln1056*) in the USH2A gene. It is expected to result in an absent or disrupted protein product. Loss-of-function variants in USH2A are known to be pathogenic (PMID: 10729113, 10909849, 20507924, 25649381). This variant is not present in population databases (gnomAD no frequency). This variant has not been reported in the literature in individuals affected with USH2A-related conditions. ClinVar contains an entry for this variant (Variation ID: 2030873). For these reasons, this variant has been classified as Pathogenic.

Baylor Genetics
Classification: Likely pathogenic for Retinitis pigmentosa 39. Last evaluated: 2023-09-10. Review status: criteria provided, single submitter. Criteria: ACMG Guidelines, 2015. Collection method: clinical testing. Allele origin: unknown.

Juno Genomics, Hangzhou Juno Genomics, Inc
Classification: Likely pathogenic for Usher syndrome type 2A; Retinitis pigmentosa 39. Review status: criteria provided, single submitter. Criteria: ACMG Guidelines, 2015. Collection method: clinical testing. Allele origin: germline.
Comment: Null variant in a gene where loss of function (LOF) is a known mechanism of disease.;Absent from controls (or at extremely low frequency if recessive) in Genome Aggregation Database.

Literature cited by the submitters: PubMed 10729113 (cited by Labcorp Genetics (formerly Invitae), Labcorp); PubMed 10909849 (cited by Labcorp Genetics (formerly Invitae), Labcorp); PubMed 20507924 (cited by Labcorp Genetics (formerly Invitae), Labcorp); PubMed 25649381 (cited by Labcorp Genetics (formerly Invitae), Labcorp).

NM_206933.4(USH2A):c.3166C>T (p.Gln1056Ter)

Genes: USH2A (usherin; minus strand), USH2A-AS1 (USH2A antisense RNA 1; plus strand). Cytogenetic location: 1q41.
Variant type: single nucleotide variant.
Coding change: c.3166C>T on transcript NM_206933.4 (MANE Select); coding-DNA position 3166, C replaced by T.
Protein change: p.Gln1056Ter; replaces glutamine 1056 with a stop codon.
Molecular consequence: nonsense.
Genome position (GRCh38, 1-based): chr1:216,207,423, G>A on the plus strand (C>T on the coding strand, the complement: USH2A is on the minus strand). VCF-style: chr1-216207423-G-A. GRCh37 (hg19) VCF-style: chr1-216380765-G-A.
Other names: c.3166C>T, p.Gln1056Ter (NM_007123.6); short protein forms Q1056*.
Identifiers: ClinVar variation 2030873 (VCV002030873.7), dbSNP rs2035139741, ClinGen allele CA344862628.